The following is an entry in ClinVar:

NM_001371928.1(AHDC1):c.1765C>T (p.Arg589Trp)

Gene: AHDC1 (AT-hook DNA binding motif containing 1; minus strand). Cytogenetic location: 1p36.11.
Variant type: single nucleotide variant.
Coding change: c.1765C>T on transcript NM_001371928.1 (MANE Select); coding-DNA position 1765, C replaced by T.
Protein change: p.Arg589Trp; replaces arginine 589 with tryptophan.
Molecular consequence: missense variant.
Genome position (GRCh38, 1-based): chr1:27,550,351, G>A on the plus strand (C>T on the coding strand, the complement: AHDC1 is on the minus strand). VCF-style: chr1-27550351-G-A. GRCh37 (hg19) VCF-style: chr1-27876862-G-A.
Other names: c.1765C>T, p.Arg589Trp (NM_001029882.3); short protein forms R589W.
Identifiers: ClinVar variation 2966471 (VCV002966471.3), dbSNP rs941203942, ClinGen allele CA19877109.

ClinVar aggregate classification (germline): Uncertain significance (1 of 4 stars; one submission).

Allele frequency attached by ClinVar (database versions not stated): gnomAD exomes below 0.00001; TOPMed below 0.00001.
gnomAD v4.1: 6 of 1,614,026 alleles (0.00037%); highest among the groups gnomAD compares: Non-Finnish European, 0.00051%; no homozygotes.

Submission:

Labcorp Genetics (formerly Invitae), Labcorp
Classification: Uncertain significance. Last evaluated: 2023-07-25. Review status: criteria provided, single submitter. Criteria: Invitae Variant Classification Sherloc (09022015). Collection method: clinical testing. Allele origin: germline.
Comment: In summary, the available evidence is currently insufficient to determine the role of this variant in disease. Therefore, it has been classified as a Variant of Uncertain Significance. An algorithm developed to predict the effect of missense changes on protein structure and function (PolyPhen-2) suggests that this variant is likely to be disruptive. This variant has not been reported in the literature in individuals affected with AHDC1-related conditions. This variant is not present in population databases (gnomAD no frequency). This sequence change replaces arginine, which is basic and polar, with tryptophan, which is neutral and slightly polar, at codon 589 of the AHDC1 protein (p.Arg589Trp).